The following is an entry in ClinVar:

ClinVar aggregate classification (germline): Uncertain significance (1 of 4 stars; one submission).

Allele frequency attached by ClinVar (database versions not stated): gnomAD 0.00001; gnomAD exomes 0.00001 and 0.00004; TOPMed 0.00002; ExAC 0.00003.
gnomAD v4.1: 25 of 1,611,770 alleles (0.0016%); highest among the groups gnomAD compares: Admixed American, 0.022%; no homozygotes.

Submission:

Labcorp Genetics (formerly Invitae), Labcorp
Classification: Uncertain significance. Last evaluated: 2025-11-27. Review status: criteria provided, single submitter. Criteria: Invitae Variant Classification Sherloc (09022015). Collection method: clinical testing. Allele origin: germline.
Comment: This sequence change falls in intron 5 of the PPP2R5D gene. It does not directly change the encoded amino acid sequence of the PPP2R5D protein. It affects a nucleotide within the consensus splice site. This variant is present in population databases (rs778402305, gnomAD 0.02%). This variant has not been reported in the literature in individuals affected with PPP2R5D-related conditions. ClinVar contains an entry for this variant (Variation ID: 1358947). Variants that disrupt the consensus splice site are a relatively common cause of aberrant splicing (PMID: 17576681, 9536098). Algorithms developed to predict the effect of sequence changes on RNA splicing suggest that this variant is not likely to affect RNA splicing. In summary, the available evidence is currently insufficient to determine the role of this variant in disease. Therefore, it has been classified as a Variant of Uncertain Significance.

Literature cited by the submitters: PubMed 17576681; PubMed 9536098.

NM_006245.4(PPP2R5D):c.634-3T>C

Gene: PPP2R5D (protein phosphatase 2 regulatory subunit B'delta; plus strand). Cytogenetic location: 6p21.1.
Variant type: single nucleotide variant.
Coding change: c.634-3T>C on transcript NM_006245.4 (MANE Select); 3 bases into the intron before coding-DNA position 634, T replaced by C.
Molecular consequence: intron variant.
Genome position (GRCh38, 1-based): chr6:43,007,411, T>C. VCF-style: chr6-43007411-T-C. GRCh37 (hg19) VCF-style: chr6-42975149-T-C.
Other names: c.181-3T>C (NM_001270476.2); c.538-3T>C (NM_180976.3); c.316-3T>C (NM_180977.3).
Identifiers: ClinVar variation 1358947 (VCV001358947.6), dbSNP rs778402305, ClinGen allele CA3811878.
Genomic context (GRCh38, chr6:43,007,411, plus strand): 5'-GGCACTTGGAGGCCTGCAAGTCCTTGGGAACATCCCCTCAGTGGCGTGCCTTTTCCCCTA[T>C]AGCTCGTGTATGAGTTCTTCTTACGTTTCCTTGAGTCTCCTGATTTCCAGCCAAACATAG-3'